The following is an entry in ClinVar:

NM_177438.3(DICER1):c.1015G>A (p.Glu339Lys)

Gene: DICER1 (dicer 1, ribonuclease III; minus strand). Cytogenetic location: 14q32.13.
Variant type: single nucleotide variant.
Coding change: c.1015G>A on transcript NM_177438.3 (MANE Select); coding-DNA position 1015, G replaced by A.
Protein change: p.Glu339Lys; replaces glutamic acid 339 with lysine.
Molecular consequence: missense variant. On other transcripts: 5 prime UTR variant (1), non-coding transcript variant (6).
Genome position (GRCh38, 1-based): chr14:95,124,557, C>T on the plus strand (G>A on the coding strand, the complement: DICER1 is on the minus strand). VCF-style: chr14-95124557-C-T. GRCh37 (hg19) VCF-style: chr14-95590894-C-T.
Other names: c.1015G>A, p.Glu339Lys (NM_001195573.1, NM_001271282.3, NM_001291628.2 and 15 more transcripts); c.733G>A, p.Glu245Lys (NM_001395686.1); c.610G>A, p.Glu204Lys (NM_001395687.1, NM_001395688.1, NM_001395689.1 and 3 more transcripts); c.448G>A, p.Glu150Lys (NM_001395691.1); c.-554G>A (NM_001395697.1); short protein forms E245K, E150K, E204K, E339K.
Identifiers: ClinVar variation 2165790 (VCV002165790.4), dbSNP rs2140206829, ClinGen allele CA390887155.
Genomic context (GRCh38, chr14:95,124,557, plus strand): 5'-ATAGTGCATGTATTTTCCTTAGGAAAGTGTCTGTAAACAATAAAAATTTCCTGTGCAGCT[C>T]CTCTTGCTCATGTTTGATGTATTTCTGTAGTTCTCTTACCATCATTCCAGCTACTTTATC-3'
Protein context (NP_803187.1, residues 329-349): LQKYIKHEQE[Glu339Lys]LHRKFLLFTD

ClinVar aggregate classification (germline): Uncertain significance (1 of 4 stars; one submission).

Conditions:
DICER1-related tumor predisposition. Also called: DICER1 syndrome; DICER1-related pleuropulmonary blastoma cancer predisposition syndrome. Identifiers: Orphanet 284343, MedGen C3839822, MONDO:0100216.

Submission:

Labcorp Genetics (formerly Invitae), Labcorp
Classification: Uncertain significance for DICER1-related tumor predisposition. Last evaluated: 2022-08-06. Review status: criteria provided, single submitter. Criteria: Invitae Variant Classification Sherloc (09022015). Collection method: clinical testing. Allele origin: germline.
Comment: In summary, the available evidence is currently insufficient to determine the role of this variant in disease. Therefore, it has been classified as a Variant of Uncertain Significance. Algorithms developed to predict the effect of missense changes on protein structure and function are either unavailable or do not agree on the potential impact of this missense change (SIFT: "Deleterious"; PolyPhen-2: "Probably Damaging"; Align-GVGD: "Class C15"). This variant has not been reported in the literature in individuals affected with DICER1-related conditions. This variant is not present in population databases (gnomAD no frequency). This sequence change replaces glutamic acid, which is acidic and polar, with lysine, which is basic and polar, at codon 339 of the DICER1 protein (p.Glu339Lys).